The following is an entry in ClinVar:

NM_000059.4(BRCA2):c.2374T>C (p.Tyr792His)

Gene: BRCA2 (BRCA2 DNA repair associated; plus strand). Cytogenetic location: 13q13.1.
Variant type: single nucleotide variant.
Coding change: c.2374T>C on transcript NM_000059.4 (MANE Select); coding-DNA position 2374, T replaced by C.
Protein change: p.Tyr792His; replaces tyrosine 792 with histidine.
Molecular consequence: missense variant.
Genome position (GRCh38, 1-based): chr13:32,336,729, T>C. VCF-style: chr13-32336729-T-C. GRCh37 (hg19) VCF-style: chr13-32910866-T-C.
Other names: short protein forms Y792H.
Identifiers: ClinVar variation 821179 (VCV000821179.7), dbSNP rs1484798037, ClinGen allele CA387771794.

ClinVar aggregate classification (germline): Conflicting classifications of pathogenicity. Review status: criteria provided, conflicting classifications (1 of 4 stars). 3 submissions from 3 submitters: Uncertain significance (2); Likely benign (1). Last evaluated 2023-05-16.

Conditions:
Hereditary cancer-predisposing syndrome. Also called: Hereditary Cancer Syndrome; Neoplastic Syndromes, Hereditary; Hereditary neoplastic syndrome; Tumor predisposition. Identifiers: Orphanet 140162, MedGen C0027672, MeSH D009386, MONDO:0015356.
Breast-ovarian cancer, familial, susceptibility to, 2 (BROVCA2). Also called: BRCA2 Hereditary Breast and Ovarian Cancer. Identifiers: Orphanet 145, MedGen C2675520, MONDO:0012933, OMIM 612555. Disease mechanism: loss of function.

Allele frequency attached by ClinVar (database versions not stated): gnomAD exomes below 0.00001.
gnomAD v4.1: 1 of 1,614,008 alleles (0.000062%); highest among the groups gnomAD compares: Non-Finnish European, 0.000085%; no homozygotes.

Submissions (3):

All of Us Research Program, National Institutes of Health
Classification: Uncertain significance for Breast-ovarian cancer, familial, susceptibility to, 2. Last evaluated: 2023-05-16. Review status: criteria provided, single submitter. Criteria: ACMG Guidelines, 2015. Collection method: clinical testing. Allele origin: germline. Inheritance: Autosomal dominant inheritance. Observed: 1 variant allele, 1 heterozygote.
Comment: This missense variant replaces tyrosine with histidine at codon 792 of the BRCA2 protein. Computational prediction suggests that this variant may not impact protein structure and function (internally defined REVEL score threshold <= 0.5, PMID: 27666373). To our knowledge, functional studies have not been reported for this variant. This variant has been reported in an individual affected with prostate cancer and an individual affected with breast cancer (PMID: 31214711, 34548921). The individual affected with breast cancer also carried a pathogenic variant in CHEK2, which could explain the observed phenotype (PMID: 34548921). This variant has been identified in 1/250570 chromosomes in the general population by the Genome Aggregation Database (gnomAD). The available evidence is insufficient to determine the role of this variant in disease conclusively. Therefore, this variant is classified as a Variant of Uncertain Significance.

This study involves interpretation of variants in research participants for the purpose of population health screening. Participant phenotype was not available at the time of variant classification. Additional details can be found in publication PMID: 35346344, PMCID: PMC8962531

University of Washington Department of Laboratory Medicine, University of Washington
Classification: Likely benign for Hereditary cancer-predisposing syndrome. Last evaluated: 2023-03-23. Review status: criteria provided, single submitter. Criteria: Dines et al. (Genet Med. 2020). Collection method: curation. Allele origin: germline.
Comment: Missense variant in a coldspot region where missense variants are very unlikely to be pathogenic (PMID:31911673).

BRCA2 exon 11 coldspot. Reclassification based on statistical prior probability.

Ambry Genetics
Classification: Uncertain significance for Hereditary cancer-predisposing syndrome. Last evaluated: 2022-07-06. Review status: criteria provided, single submitter. Criteria: Ambry Variant Classification Scheme 2023. Collection method: clinical testing. Allele origin: germline.
Comment: The p.Y792H variant (also known as c.2374T>C), located in coding exon 10 of the BRCA2 gene, results from a T to C substitution at nucleotide position 2374. The tyrosine at codon 792 is replaced by histidine, an amino acid with similar properties. This alteration was identified in an individual diagnosed with breast cancer (Huszno J et al. Mol Clin Oncol, 2021 Nov;15:222). This amino acid position is not well conserved in available vertebrate species. In addition, this alteration is predicted to be tolerated by in silico analysis. Since supporting evidence is limited at this time, the clinical significance of this alteration remains unclear.

Literature cited by the submitters: PubMed 31214711 (cited by All of Us Research Program, National Institutes of Health); PubMed 34548921 (cited by All of Us Research Program, National Institutes of Health and Ambry Genetics).